The following is an entry in ClinVar:

NM_014845.6(FIG4):c.446G>C (p.Arg149Thr)

Gene: FIG4 (FIG4 phosphoinositide 5-phosphatase; plus strand). Cytogenetic location: 6q21.
Variant type: single nucleotide variant.
Coding change: c.446G>C on transcript NM_014845.6 (MANE Select); coding-DNA position 446, G replaced by C.
Protein change: p.Arg149Thr; replaces arginine 149 with threonine.
Molecular consequence: missense variant.
Genome position (GRCh38, 1-based): chr6:109,727,265, G>C. VCF-style: chr6-109727265-G-C. GRCh37 (hg19) VCF-style: chr6-110048468-G-C.
Other names: short protein forms R149T.
Identifiers: ClinVar variation 3769101 (VCV003769101.2).

ClinVar aggregate classification (germline): Uncertain significance (1 of 4 stars; one submission).

Submission:

Women's Health and Genetics/Laboratory Corporation of America, LabCorp
Classification: Uncertain significance. Last evaluated: 2025-01-14. Review status: criteria provided, single submitter. Criteria: LabCorp Variant Classification Summary - May 2015. Collection method: clinical testing. Allele origin: germline.
Comment: Variant summary: FIG4 c.446G>C (p.Arg149Thr) results in a non-conservative amino acid change in the encoded protein sequence. Four of five in-silico tools predict a damaging effect of the variant on protein function. The variant was absent in 251188 control chromosomes. The available data on variant occurrences in the general population are insufficient to allow any conclusion about variant significance. To our knowledge, no occurrence of c.446G>C in individuals affected with Charcot-Marie-Tooth disease type 4J and no experimental evidence demonstrating its impact on protein function have been reported. No submitters have cited clinical-significance assessments for this variant to ClinVar. Based on the evidence outlined above, the variant was classified as uncertain significance.